The following is an entry in ClinVar:

NM_138370.3(PKDCC):c.364G>T (p.Gly122Cys)

Genes: PKDCC (protein kinase domain containing, cytoplasmic; plus strand), LOC129933565 (ATAC-STARR-seq lymphoblastoid silent region 11398; plus strand). Cytogenetic location: 2p21.
Variant type: single nucleotide variant.
Coding change: c.364G>T on transcript NM_138370.3 (MANE Select); coding-DNA position 364, G replaced by T.
Protein change: p.Gly122Cys; replaces glycine 122 with cysteine.
Molecular consequence: missense variant.
Genome position (GRCh38, 1-based): chr2:42,048,563, G>T. VCF-style: chr2-42048563-G-T. GRCh37 (hg19) VCF-style: chr2-42275703-G-T.
Other names: short protein forms G122C.
Identifiers: ClinVar variation 1953657 (VCV001953657.3), dbSNP rs1326313940, ClinGen allele CA346623015.

ClinVar aggregate classification (germline): Uncertain significance (1 of 4 stars; one submission).

Allele frequency attached by ClinVar (database versions not stated): gnomAD exomes 0.00002; TOPMed 0.00002; gnomAD 0.00003.
gnomAD v4.1: 22 of 1,311,582 alleles (0.0017%); highest among the groups gnomAD compares: Non-Finnish European, 0.0021%; no homozygotes.

Submission:

Labcorp Genetics (formerly Invitae), Labcorp
Classification: Uncertain significance. Last evaluated: 2022-02-09. Review status: criteria provided, single submitter. Criteria: Invitae Variant Classification Sherloc (09022015). Collection method: clinical testing. Allele origin: germline.
Comment: Algorithms developed to predict the effect of missense changes on protein structure and function are either unavailable or do not agree on the potential impact of this missense change (SIFT: "Deleterious"; PolyPhen-2: "Possibly Damaging"; Align-GVGD: "Class C0"). This variant has not been reported in the literature in individuals affected with PKDCC-related conditions. The frequency data for this variant in the population databases is considered unreliable, as metrics indicate poor data quality at this position in the gnomAD database. This sequence change replaces glycine, which is neutral and non-polar, with cysteine, which is neutral and slightly polar, at codon 122 of the PKDCC protein (p.Gly122Cys). In summary, the available evidence is currently insufficient to determine the role of this variant in disease. Therefore, it has been classified as a Variant of Uncertain Significance.